The following is an entry in ClinVar:

NM_000045.4(ARG1):c.435_438dup (p.Phe147fs)

Genes: ARG1 (arginase 1; plus strand), MED23 (mediator complex subunit 23; minus strand). Cytogenetic location: 6q23.2.
Variant type: Duplication.
Coding change: c.435_438dup on transcript NM_000045.4 (MANE Select); coding-DNA positions 435 to 438, 4 bases duplicated (ATCT; older notation c.435_438dupATCT).
Protein change: p.Phe147fs; shifts the reading frame from phenylalanine 147.
Molecular consequence: frameshift variant. On other transcripts: non-coding transcript variant (1), intron variant (3).
Genome position (GRCh38, 1-based): chr6:131,581,348-131,581,351, ATCT duplicated; duplicating any 4 consecutive bases within chr6:131,581,347-131,581,351 gives the same sequence; the c. name uses the placement nearest the transcript's 3' end. VCF-style (leftmost placement, unchanged base first): chr6-131581346-G-GTATC. GRCh37 (hg19) VCF-style: chr6-131902486-G-GTATC.
Other names: c.459_462dup, p.Phe155fs (NM_001244438.2); c.306-1712_306-1709dup (NM_001369020.1); c.4077+6359_4077+6362dup (NM_001270521.2); c.4095+6359_4095+6362dup (NM_015979.4); short protein forms F155fs, F147fs.
Identifiers: ClinVar variation 2710716 (VCV002710716.4), dbSNP rs2482369953, ClinGen allele CA2697553679.

ClinVar aggregate classification (germline): Pathogenic/Likely pathogenic. Review status: criteria provided, multiple submitters, no conflicts (2 of 4 stars). 2 submissions from 2 submitters: Pathogenic (1); Likely pathogenic (1). Last evaluated 2024-02-09.

Conditions:
Arginase deficiency. Also called: ARGININEMIA; ARG1 DEFICIENCY; Arginase 1 Deficiency. Identifiers: Orphanet 90, MedGen C0268548, MONDO:0008814, OMIM 207800.

Submissions (2):

Baylor Genetics
Classification: Likely pathogenic for Arginase deficiency. Last evaluated: 2024-02-09. Review status: criteria provided, single submitter. Criteria: ACMG Guidelines, 2015. Collection method: clinical testing. Allele origin: unknown.

Labcorp Genetics (formerly Invitae), Labcorp
Classification: Pathogenic for Arginase deficiency. Last evaluated: 2024-01-22. Review status: criteria provided, single submitter. Criteria: Invitae Variant Classification Sherloc (09022015). Collection method: clinical testing. Allele origin: germline.
Comment: This sequence change creates a premature translational stop signal (p.Phe147Ilefs*51) in the ARG1 gene. It is expected to result in an absent or disrupted protein product. Loss-of-function variants in ARG1 are known to be pathogenic (PMID: 7649538, 12052859). This variant is not present in population databases (gnomAD no frequency). This variant has not been reported in the literature in individuals affected with ARG1-related conditions. For these reasons, this variant has been classified as Pathogenic.

Literature cited by the submitters: PubMed 7649538 (cited by Labcorp Genetics (formerly Invitae), Labcorp); PubMed 12052859 (cited by Labcorp Genetics (formerly Invitae), Labcorp).